The following is an entry in ClinVar:

ClinVar aggregate classification (germline): Uncertain significance (1 of 4 stars; one submission).

gnomAD v4.1: 9 of 1,614,102 alleles (0.00056%); highest among the groups gnomAD compares: South Asian, 0.0044%; no homozygotes.

Submission:

Labcorp Genetics (formerly Invitae), Labcorp
Classification: Uncertain significance. Last evaluated: 2024-01-06. Review status: criteria provided, single submitter. Criteria: Invitae Variant Classification Sherloc (09022015). Collection method: clinical testing. Allele origin: germline.
Comment: This sequence change replaces alanine, which is neutral and non-polar, with threonine, which is neutral and polar, at codon 962 of the KIAA0556 protein (p.Ala962Thr). This variant is present in population databases (rs749729955, gnomAD 0.006%). This variant has not been reported in the literature in individuals affected with KIAA0556-related conditions. An algorithm developed to predict the effect of missense changes on protein structure and function (PolyPhen-2) suggests that this variant is likely to be tolerated. In summary, the available evidence is currently insufficient to determine the role of this variant in disease. Therefore, it has been classified as a Variant of Uncertain Significance.

NM_015202.5(KATNIP):c.2884G>A (p.Ala962Thr)

Gene: KATNIP (katanin interacting protein; plus strand). Cytogenetic location: 16p12.1.
Variant type: single nucleotide variant.
Coding change: c.2884G>A on transcript NM_015202.5 (MANE Select); coding-DNA position 2884, G replaced by A.
Protein change: p.Ala962Thr; replaces alanine 962 with threonine.
Molecular consequence: missense variant.
Genome position (GRCh38, 1-based): chr16:27,749,844, G>A. VCF-style: chr16-27749844-G-A. GRCh37 (hg19) VCF-style: chr16-27761165-G-A.
Other names: short protein forms A962T.
Identifiers: ClinVar variation 2971194 (VCV002971194.3), dbSNP rs749729955, ClinGen allele CA7978092.